The following is an entry in ClinVar:

ClinVar aggregate classification (germline): Likely benign (0 of 4 stars; one submission).

Conditions:
NLRP2-related disorder. Also called: NLRP2-related condition.

Allele frequency attached by ClinVar (database versions not stated): gnomAD exomes below 0.00001; TOPMed below 0.00001.
gnomAD v4.1: 6 of 1,610,122 alleles (0.00037%); highest among the groups gnomAD compares: Non-Finnish European, 0.00051%; no homozygotes.

Submission:

PreventionGenetics, part of Exact Sciences
Classification: Likely benign for NLRP2-related condition. Last evaluated: 2020-10-21. Review status: no assertion criteria provided. Collection method: clinical testing. Allele origin: germline.
Comment: This variant is classified as likely benign based on ACMG/AMP sequence variant interpretation guidelines (Richards et al. 2015 PMID: 25741868, with internal and published modifications).

NM_017852.5(NLRP2):c.2028G>A (p.Glu676=)

Gene: NLRP2 (NLR family pyrin domain containing 2; plus strand). Cytogenetic location: 19q13.42.
Variant type: single nucleotide variant.
Coding change: c.2028G>A on transcript NM_017852.5 (MANE Select); coding-DNA position 2028, G replaced by A.
Protein change: p.Glu676=; no amino-acid change (glutamic acid 676 retained).
Molecular consequence: synonymous variant. On other transcripts: non-coding transcript variant (1).
Genome position (GRCh38, 1-based): chr19:54,983,726, G>A. VCF-style: chr19-54983726-G-A. GRCh37 (hg19) VCF-style: chr19-55495094-G-A.
Other names: c.2028G>A, p.Glu676= (NM_001174081.3); c.1962G>A, p.Glu654= (NM_001174082.3); c.1959G>A, p.Glu653= (NM_001174083.2); c.2019G>A, p.Glu673= (NM_001348003.2).
Identifiers: ClinVar variation 3032125 (VCV003032125.2), dbSNP rs2071826161, ClinGen allele CA2343176511.